The following is an entry in ClinVar:

NM_206933.4(USH2A):c.1571C>A (p.Ala524Asp)

Gene: USH2A (usherin; minus strand). Cytogenetic location: 1q41.
Variant type: single nucleotide variant.
Coding change: c.1571C>A on transcript NM_206933.4 (MANE Select); coding-DNA position 1571, C replaced by A.
Protein change: p.Ala524Asp; replaces alanine 524 with aspartic acid.
Molecular consequence: missense variant.
Genome position (GRCh38, 1-based): chr1:216,321,956, G>T on the plus strand (C>A on the coding strand, the complement: USH2A is on the minus strand). VCF-style: chr1-216321956-G-T. GRCh37 (hg19) VCF-style: chr1-216495298-G-T.
Other names: c.1571C>A, p.Ala524Asp (NM_007123.6); c.1571C>A (NM_206933.2); short protein forms A524D.
Identifiers: ClinVar variation 1916216 (VCV001916216.11), dbSNP rs772624410, ClinGen allele CA1396469.
Genomic context (GRCh38, chr1:216,321,956, plus strand): 5'-GTGAAGCTCTCCTGGGAGCAGAGGCATCTATATGGCTGGCTTGTTGTGTCGCAGTTATCG[G>T]CATGACCATGGCACTGACATCTGCAAACATGAGCATCACACACTCCTAAGGAACACCAAC-3'
Protein context (NP_996816.3, residues 514-534): ISGRCQCHGH[Ala524Asp]DNCDTTSQPY

ClinVar aggregate classification (germline): Conflicting classifications of pathogenicity. Review status: criteria provided, conflicting classifications (1 of 4 stars). 6 submissions from 6 submitters: Pathogenic (1); Likely pathogenic (3); Uncertain significance (2). Last evaluated 2026-07-16.

Conditions:
USH2A-related disorder. Also called: USH2A-related condition; USH2A-related disorders. Identifiers: MedGen CN239332.
Usher syndrome type 2A. Also called: RETINAL DISEASE IN USHER SYNDROME TYPE IIA, MODIFIER OF; USHER SYNDROME, TYPE IIA. Identifiers: Orphanet 231178, Orphanet 886, MedGen C1848634, MONDO:0010169, OMIM 276901.
Retinitis pigmentosa 39 (RP39). Identifiers: Orphanet 791, MedGen C3151138, MONDO:0013436, OMIM 613809.

Allele frequency attached by ClinVar (database versions not stated): ExAC 0.00001; gnomAD 0.00001.
gnomAD v4.1: 4 of 1,613,672 alleles (0.00025%); highest among the groups gnomAD compares: Non-Finnish European, 0.00034%; no homozygotes.

Submissions (6):

Myriad Genetics, Inc.
Classification: Uncertain significance for USH2A-related disorder. Last evaluated: 2026-07-16. Review status: criteria provided, single submitter. Criteria: Myriad Autosomal Dominant, Autosomal Recessive and X-Linked Classification Criteria (2023). Collection method: clinical testing. Allele origin: unknown.
Comment: NM_206933.2(USH2A):c.1571C>A(A524D) is a missense variant classified as a variant of uncertain significance in the context of USH2A-related disorders. A524D has been observed in cases with relevant disease (PMID: 30902645, 33576794). Relevant functional assessments of this variant are not available in the literature. A524D has been observed in referenced population frequency databases. In summary, there is insufficient evidence to classify NM_206933.2(USH2A):c.1571C>A(A524D) as pathogenic or benign. Please note: this variant was assessed in the context of healthy population screening.

Natera, Inc.
Classification: Likely pathogenic for Usher syndrome type 2A. Last evaluated: 2025-01-21. Review status: criteria provided, single submitter. Criteria: Natera Variant Classification Schema (03/2026). Collection method: clinical testing. Allele origin: germline.
Comment: The c.1571C>A variant in USH2A is a missense variant predicted to cause substitution of alanine to aspartic acid at amino acid 524. This variant is rare in the general population with a frequency below the threshold expected for the associated phenotype(s). This variant has been observed in one or more individuals affected with the associated recessive disease, as either homozygous or compound heterozygous with a second variant (PMID: 33576794, 30902645). A different variant at the same position has been determined to be Pathogenic or Likely Pathogenic. Computational prediction algorithms indicate this variant is likely to affect gene or protein function. Given the available evidence, this variant is classified as Likely Pathogenic.

Baylor Genetics
Classification: Likely pathogenic for Retinitis pigmentosa 39. Last evaluated: 2024-03-09. Review status: criteria provided, single submitter. Criteria: ACMG Guidelines, 2015. Collection method: clinical testing. Allele origin: unknown.

Fulgent Genetics
Classification: Likely pathogenic for Usher syndrome type 2A; Retinitis pigmentosa 39. Last evaluated: 2024-03-07. Review status: criteria provided, single submitter. Criteria: ACMG Guidelines, 2015. Collection method: clinical testing. Allele origin: germline.

Labcorp Genetics (formerly Invitae), Labcorp
Classification: Pathogenic. Last evaluated: 2022-02-25. Review status: criteria provided, single submitter. Criteria: Invitae Variant Classification Sherloc (09022015). Collection method: clinical testing. Allele origin: germline.
Comment: This sequence change replaces alanine, which is neutral and non-polar, with aspartic acid, which is acidic and polar, at codon 524 of the USH2A protein (p.Ala524Asp). This variant is present in population databases (rs772624410, gnomAD 0.002%). This missense change has been observed in individual(s) with retinitis pigmentosa (PMID: 30902645, 33576794). In at least one individual the data is consistent with being in trans (on the opposite chromosome) from a pathogenic variant. Algorithms developed to predict the effect of missense changes on protein structure and function are either unavailable or do not agree on the potential impact of this missense change (SIFT: "Deleterious"; PolyPhen-2: "Probably Damaging"; Align-GVGD: "Class C0"). This variant disrupts the p.Ala524 amino acid residue in USH2A. Other variant(s) that disrupt this residue have been observed in individuals with USH2A-related conditions (PMID: 30337596, 30902645, 33576794), which suggests that this may be a clinically significant amino acid residue. For these reasons, this variant has been classified as Pathogenic.

Blueprint Genetics
Classification: Uncertain significance. Last evaluated: 2021-10-13. Review status: criteria provided, single submitter. Criteria: ACMG Guidelines, 2015. Collection method: clinical testing. Allele origin: germline.

Literature cited by the submitters: PubMed 30902645 (cited by 3 submitters); PubMed 33576794 (cited by 3 submitters); PubMed 30337596 (cited by Labcorp Genetics (formerly Invitae), Labcorp).